The following is an entry in ClinVar:

NM_001845.6(COL4A1):c.2458+2T>C

Gene: COL4A1 (collagen type IV alpha 1 chain; minus strand). Cytogenetic location: 13q34.
Variant type: single nucleotide variant.
Coding change: c.2458+2T>C on transcript NM_001845.6 (MANE Select); the canonical splice donor site of the intron after coding-DNA position 2458, T replaced by C.
Molecular consequence: splice donor variant.
Genome position (GRCh38, 1-based): chr13:110,178,921, A>G on the plus strand (T>C on the coding strand, the complement: COL4A1 is on the minus strand). VCF-style: chr13-110178921-A-G. GRCh37 (hg19) VCF-style: chr13-110831268-A-G.
Identifiers: ClinVar variation 1451906 (VCV001451906.8), dbSNP rs1436175370, ClinGen allele CA388668219.

ClinVar aggregate classification (germline): Conflicting classifications of pathogenicity. Review status: criteria provided, conflicting classifications (1 of 4 stars). 3 submissions from 3 submitters: Pathogenic (1); Likely pathogenic (1); Uncertain significance (1). Last evaluated 2026-03-19.

Conditions:
Autosomal dominant familial hematuria-retinal arteriolar tortuosity-contractures syndrome. Also called: Angiopathy, hereditary, with nephropathy, aneurysms, and muscle cramps; Hereditary Angiopathy with Nephropathy, Aneurysms, and Muscle Cramps (HANAC) Syndrome. Identifiers: Orphanet 73229, MedGen C2673195, MONDO:0012726, OMIM 611773.
Retinal arterial tortuosity. Also called: RETINAL HEMORRHAGE WITH VASCULAR TORTUOSITY; Retinal arteries, tortuosity of. Identifiers: Orphanet 75326, MedGen C0423401, MONDO:0008373, OMIM 180000, HP:0000631.
Brain small vessel disease 1 with or without ocular anomalies (BSVD1). Also called: BRAIN SMALL VESSEL DISEASE WITH HEMORRHAGE; PORENCEPHALY, TYPE 1, AUTOSOMAL DOMINANT; Brain small vessel disease with or without ocular anomalies; GOULD SYNDROME 1. Identifiers: Orphanet 2940, Orphanet 36383, Orphanet 99810, MedGen C4755307, MONDO:0008289, OMIM 175780.
Hemorrhage, intracerebral, susceptibility to (ICH). Also called: Stroke, hemorrhagic, susceptibility to. Identifiers: MedGen C3281105, MONDO:0100533, OMIM 614519.
Microangiopathy and leukoencephalopathy, pontine, autosomal dominant. Also called: DEMENTIA, HEREDITARY MULTI-INFARCT, SWEDISH TYPE; Pontine autosomal dominant microangiopathy with leukoencephalopathy. Identifiers: Orphanet 477749, MedGen C5231411, MONDO:0032814, OMIM 618564.

Allele frequency attached by ClinVar (database versions not stated): gnomAD 0.00001; gnomAD exomes 0.00001.
gnomAD v4.1: 12 of 1,606,246 alleles (0.00075%); highest among the groups gnomAD compares: African/African-American, 0.0013%; no homozygotes.

Submissions (3):

GeneDx
Classification: Uncertain significance. Last evaluated: 2026-03-19. Review status: criteria provided, single submitter. Criteria: GeneDx Variant Classification Process June 2021. Collection method: clinical testing. Allele origin: germline.
Comment: Not observed at significant frequency in large population cohorts (gnomAD); Has not been previously published as pathogenic or benign to our knowledge; In silico analysis is inconclusive as to whether the variant alters gene splicing. In the absence of RNA/functional studies, the actual effect of this sequence change is unknown.

Fulgent Genetics
Classification: Likely pathogenic for Brain small vessel disease 1 with or without ocular anomalies; Retinal arterial tortuosity; Autosomal dominant familial hematuria-retinal arteriolar tortuosity-contractures syndrome; Hemorrhage, intracerebral, susceptibility to; Microangiopathy and leukoencephalopathy, pontine, autosomal dominant. Last evaluated: 2024-06-03. Review status: criteria provided, single submitter. Criteria: ACMG Guidelines, 2015. Collection method: clinical testing. Allele origin: germline.

Labcorp Genetics (formerly Invitae), Labcorp
Classification: Pathogenic. Last evaluated: 2023-11-27. Review status: criteria provided, single submitter. Criteria: Invitae Variant Classification Sherloc (09022015). Collection method: clinical testing. Allele origin: germline.
Comment: This sequence change affects a donor splice site in intron 31 of the COL4A1 gene. RNA analysis indicates that disruption of this splice site induces altered splicing and likely results in a shortened protein product. This variant is not present in population databases (gnomAD no frequency). Disruption of this splice site has been observed in individual(s) with clinical features of COL4A1-related conditions (PMID: 25706114). In at least one individual the variant was observed to be de novo. ClinVar contains an entry for this variant (Variation ID: 1451906). Studies have shown that disruption of this splice site results in skipping of exon 31, but is expected to preserve the integrity of the reading-frame (PMID: 25706114). For these reasons, this variant has been classified as Pathogenic.

Literature cited by the submitters: PubMed 25706114 (cited by Labcorp Genetics (formerly Invitae), Labcorp).